The following is an entry in ClinVar:

ClinVar aggregate classification (germline): Pathogenic/Likely pathogenic. Review status: criteria provided, multiple submitters, no conflicts (2 of 4 stars). 4 submissions from 4 submitters: Pathogenic (2); Likely pathogenic (1). 1 of the submissions does not count toward it. Last evaluated 2026-05-14.

Conditions:
Cohen syndrome (COH1). Also called: PEPPER SYNDROME; Cutis verticis gyrata, retinitis pigmentosa, and sensorineural deafness. Identifiers: Orphanet 193, MedGen C0265223, MONDO:0008999, OMIM 216550.

Submissions (4):

Myriad Genetics, Inc.
Classification: Pathogenic for Cohen syndrome. Last evaluated: 2026-05-14. Review status: criteria provided, single submitter. Criteria: Myriad Autosomal Dominant, Autosomal Recessive and X-Linked Classification Criteria (2023). Collection method: clinical testing. Allele origin: unknown.
Comment: NM_017890.4(VPS13B):c.3240delT(P1081Qfs*20) is a frameshift variant classified as pathogenic in the context of Cohen syndrome. P1081Qfs*20 has not been observed in cases with relevant disease. Relevant functional assessments of this variant are not available in the literature. P1081Qfs*20 has been observed in referenced population frequency databases. In summary, NM_017890.4(VPS13B):c.3240delT(P1081Qfs*20) is a frameshift variant in a gene where loss of function is a known mechanism of disease and is predicted to disrupt protein function. Please note: this variant was assessed in the context of healthy population screening.

Fulgent Genetics
Classification: Likely pathogenic for Cohen syndrome. Last evaluated: 2024-03-08. Review status: criteria provided, single submitter. Criteria: ACMG Guidelines, 2015. Collection method: clinical testing. Allele origin: germline.

Labcorp Genetics (formerly Invitae), Labcorp
Classification: Pathogenic for Cohen syndrome. Last evaluated: 2023-05-26. Review status: criteria provided, single submitter. Criteria: Invitae Variant Classification Sherloc (09022015). Collection method: clinical testing. Allele origin: germline.
Comment: This variant has not been reported in the literature in individuals affected with VPS13B-related conditions. ClinVar contains an entry for this variant (Variation ID: 370978). For these reasons, this variant has been classified as Pathogenic. This variant is present in population databases (rs764544747, gnomAD 0.01%). This sequence change creates a premature translational stop signal (p.Pro1081Glnfs*20) in the VPS13B gene. It is expected to result in an absent or disrupted protein product. Loss-of-function variants in VPS13B are known to be pathogenic (PMID: 15141358, 16648375, 20461111).

Counsyl
Classification: Likely pathogenic for Cohen syndrome. Last evaluated: 2016-05-26. Review status: no assertion criteria provided. Collection method: clinical testing. Allele origin: unknown. Not counted in ClinVar's aggregate classification.

Literature cited by the submitters: PubMed 15141358 (cited by Labcorp Genetics (formerly Invitae), Labcorp); PubMed 16648375 (cited by Labcorp Genetics (formerly Invitae), Labcorp); PubMed 20461111 (cited by Labcorp Genetics (formerly Invitae), Labcorp).

NM_152564.5(VPS13B):c.3240del (p.Pro1081fs)

Gene: VPS13B (vacuolar protein sorting 13 homolog B; plus strand). Cytogenetic location: 8q22.2.
Variant type: Deletion.
Coding change: c.3240del on transcript NM_152564.5 (MANE Select); coding-DNA position 3240, one base deleted (T; older notation c.3240delT).
Protein change: p.Pro1081fs; shifts the reading frame from proline 1081.
Molecular consequence: frameshift variant.
Genome position (GRCh38, 1-based): chr8:99,442,430, T deleted; the last of 2 consecutive T bases (chr8:99,442,429-99,442,430); deleting either gives the same sequence. VCF-style (leftmost placement, unchanged base first): chr8-99442428-AT-A. GRCh37 (hg19) VCF-style: chr8-100454656-AT-A.
Other names: c.3240delT (NM_017890.4); c.3240del (NM_017890.4); c.3240del, p.Pro1081fs (NM_017890.5); short protein forms P1081fs.
Identifiers: ClinVar variation 370978 (VCV000370978.13), dbSNP rs764544747, ClinGen allele CA4823207.